The following is an entry in ClinVar:

ClinVar aggregate classification (germline): Uncertain significance (1 of 4 stars; one submission).

Allele frequency attached by ClinVar (database versions not stated): gnomAD exomes below 0.00001.
gnomAD v4.1: 2 of 1,614,122 alleles (0.00012%); highest among the groups gnomAD compares: Non-Finnish European, 0.00017%; no homozygotes.

Submission:

Labcorp Genetics (formerly Invitae), Labcorp
Classification: Uncertain significance. Last evaluated: 2021-10-12. Review status: criteria provided, single submitter. Criteria: Invitae Variant Classification Sherloc (09022015). Collection method: clinical testing. Allele origin: germline.
Comment: In summary, the available evidence is currently insufficient to determine the role of this variant in disease. Therefore, it has been classified as a Variant of Uncertain Significance. Algorithms developed to predict the effect of missense changes on protein structure and function output the following: SIFT: "Tolerated"; PolyPhen-2: "Benign"; Align-GVGD: "Class C0". The isoleucine amino acid residue is found in multiple mammalian species, which suggests that this missense change does not adversely affect protein function. This variant has not been reported in the literature in individuals affected with LAMA1-related conditions. This variant is not present in population databases (ExAC no frequency). This sequence change replaces valine with isoleucine at codon 2217 of the LAMA1 protein (p.Val2217Ile). The valine residue is moderately conserved and there is a small physicochemical difference between valine and isoleucine.

NM_005559.4(LAMA1):c.6649G>A (p.Val2217Ile)

Gene: LAMA1 (laminin subunit alpha 1; minus strand). Cytogenetic location: 18p11.31.
Variant type: single nucleotide variant.
Coding change: c.6649G>A on transcript NM_005559.4 (MANE Select); coding-DNA position 6649, G replaced by A.
Protein change: p.Val2217Ile; replaces valine 2217 with isoleucine.
Molecular consequence: missense variant.
Genome position (GRCh38, 1-based): chr18:6,973,182, C>T on the plus strand (G>A on the coding strand, the complement: LAMA1 is on the minus strand). VCF-style: chr18-6973182-C-T. GRCh37 (hg19) VCF-style: chr18-6973181-C-T.
Other names: short protein forms V2217I.
Identifiers: ClinVar variation 1467789 (VCV001467789.6), dbSNP rs1568013335, ClinGen allele CA401828790.